The following is an entry in ClinVar:

ClinVar aggregate classification (germline): Uncertain significance (1 of 4 stars; one submission).

Submission:

GeneDx
Classification: Uncertain significance. Last evaluated: 2023-08-04. Review status: criteria provided, single submitter. Criteria: GeneDx Variant Classification Process June 2021. Collection method: clinical testing. Allele origin: germline. Affected: yes.
Comment: Not observed at significant frequency in large population cohorts (gnomAD); In silico analysis supports a deleterious effect on splicing; Has not been previously published as pathogenic or benign to our knowledge

NM_012309.5(SHANK2):c.2551+5G>A

Gene: SHANK2 (SH3 and multiple ankyrin repeat domains 2; minus strand). Cytogenetic location: 11q13.3.
Variant type: single nucleotide variant.
Coding change: c.2551+5G>A on transcript NM_012309.5 (MANE Select); 5 bases into the intron after coding-DNA position 2551, G replaced by A.
Molecular consequence: intron variant.
Genome position (GRCh38, 1-based): chr11:70,490,271, C>T on the plus strand (G>A on the coding strand, the complement: SHANK2 is on the minus strand). VCF-style: chr11-70490271-C-T. GRCh37 (hg19) VCF-style: chr11-70336376-C-T.
Other names: c.1414+5G>A (NM_001379226.1); c.787+5G>A (NM_133266.5).
Identifiers: ClinVar variation 3361639 (VCV003361639.1).